The following is an entry in ClinVar:

ClinVar aggregate classification (germline): Benign (1 of 4 stars; one submission).

Conditions:
Holoprosencephaly 11 (HPE11). Identifiers: Orphanet 2162, MedGen C3280215, MONDO:0013642, OMIM 614226.

Allele frequency attached by ClinVar (database versions not stated): TOPMed 0.00001; 1000 Genomes Project 0.00040; 1000 Genomes Project 30x 0.00047; gnomAD 0.00001 and 0.00002.

Submission:

Illumina Laboratory Services, Illumina
Classification: Benign for Holoprosencephaly 11. Last evaluated: 2018-01-13. Review status: criteria provided, single submitter. Criteria: ICSL Variant Classification Criteria 13 December 2019. Collection method: clinical testing. Allele origin: germline.
Comment: This variant was observed in the ICSL laboratory as part of a predisposition screen in an ostensibly healthy population. It had not been previously curated by ICSL or reported in the Human Gene Mutation Database (HGMD: prior to June 1st, 2018), and was therefore a candidate for classification through an automated scoring system. Utilizing variant allele frequency, disease prevalence and penetrance estimates, and inheritance mode, an automated score was calculated to assess if this variant is too frequent to cause the disease. Based on the score and internal cut-off values, a variant classified as benign is not then subjected to further curation. The score for this variant resulted in a classification of benign for this disease.

NM_001378964.1(CDON):c.*601T>A

Gene: CDON (cell adhesion associated, oncogene regulated; minus strand). Cytogenetic location: 11q24.2.
Variant type: single nucleotide variant.
Coding change: c.*601T>A on transcript NM_001378964.1 (MANE Select); 601 bases downstream of the stop codon, T replaced by A.
Molecular consequence: 3 prime UTR variant.
Genome position (GRCh38, 1-based): chr11:125,960,341, A>T on the plus strand (T>A on the coding strand, the complement: CDON is on the minus strand). VCF-style: chr11-125960341-A-T. GRCh37 (hg19) VCF-style: chr11-125830236-A-T.
Other names: c.*601T>A (NM_001243597.3, NM_016952.6).
Identifiers: ClinVar variation 303482 (VCV000303482.5), dbSNP rs549303080, ClinGen allele CA10637807.
Genomic context (GRCh38, chr11:125,960,341, plus strand): 5'-CACTTGAGGTCAGGAGTTCAAAACCAGCCTGAAACCTTGTCTCTAATAAAAATACAAGAC[A>T]ATTAGCTGGACGTGGTGGCAGGTGCCTGTAGTCCCAGCTACTCAGGAGGCTGAGGCGGGA-3'